The following is an entry in ClinVar:

ClinVar aggregate classification (germline): Benign (1 of 4 stars; one submission).

Conditions:
Autosomal dominant cerebellar ataxia. Also called: Spinocerebellar Ataxia, Dominant. Identifiers: Orphanet 99, MedGen C4087347, MONDO:0020380.

Allele frequency attached by ClinVar (database versions not stated): gnomAD 0.00002 and 0.00007; TOPMed 0.00002; 1000 Genomes Project 30x 0.00031; 1000 Genomes Project 0.00040.

Submission:

Illumina Laboratory Services, Illumina
Classification: Benign for Spinocerebellar Ataxia, Dominant. Last evaluated: 2018-01-12. Review status: criteria provided, single submitter. Criteria: ICSL Variant Classification Criteria 13 December 2019. Collection method: clinical testing. Allele origin: germline.
Comment: This variant was observed in the ICSL laboratory as part of a predisposition screen in an ostensibly healthy population. It had not been previously curated by ICSL or reported in the Human Gene Mutation Database (HGMD: prior to June 1st, 2018), and was therefore a candidate for classification through an automated scoring system. Utilizing variant allele frequency, disease prevalence and penetrance estimates, and inheritance mode, an automated score was calculated to assess if this variant is too frequent to cause the disease. Based on the score and internal cut-off values, a variant classified as benign is not then subjected to further curation. The score for this variant resulted in a classification of benign for this disease.

NM_001378452.1(ITPR1):c.-244G>A

Genes: ITPR1 (inositol 1,4,5-trisphosphate receptor type 1; plus strand), LOC129936059 (ATAC-STARR-seq lymphoblastoid silent region 14018; plus strand). Cytogenetic location: 3p26.1.
Variant type: single nucleotide variant.
Coding change: c.-244G>A on transcript NM_001378452.1 (MANE Select); 244 bases upstream of the start codon, G replaced by A.
Molecular consequence: 5 prime UTR variant.
Genome position (GRCh38, 1-based): chr3:4,493,454, G>A. VCF-style: chr3-4493454-G-A. GRCh37 (hg19) VCF-style: chr3-4535138-G-A.
Other names: c.-244G>A (NM_001099952.4, NM_001168272.2, NM_002222.7).
Identifiers: ClinVar variation 345332 (VCV000345332.5), dbSNP rs577585180, ClinGen allele CA10615924.